The following is an entry in ClinVar:

ClinVar aggregate classification (germline): Uncertain significance (1 of 4 stars; one submission).

gnomAD v4.1: 1 of 1,614,186 alleles (0.000062%); highest among the groups gnomAD compares: Non-Finnish European, 0.000085%; no homozygotes.

Submission:

Labcorp Genetics (formerly Invitae), Labcorp
Classification: Uncertain significance. Last evaluated: 2024-02-06. Review status: criteria provided, single submitter. Criteria: Invitae Variant Classification Sherloc (09022015). Collection method: clinical testing. Allele origin: germline.
Comment: This sequence change replaces isoleucine, which is neutral and non-polar, with threonine, which is neutral and polar, at codon 516 of the MBD4 protein (p.Ile516Thr). This variant is not present in population databases (gnomAD no frequency). This variant has not been reported in the literature in individuals affected with MBD4-related conditions. An algorithm developed to predict the effect of missense changes on protein structure and function (PolyPhen-2) suggests that this variant is likely to be disruptive. In summary, the available evidence is currently insufficient to determine the role of this variant in disease. Therefore, it has been classified as a Variant of Uncertain Significance.

NM_001276270.2(MBD4):c.1529T>C (p.Ile510Thr)

Gene: MBD4 (methyl-CpG binding domain 4, DNA glycosylase; minus strand). Cytogenetic location: 3q21.3.
Variant type: single nucleotide variant.
Coding change: c.1529T>C on transcript NM_001276270.2 (MANE Select); coding-DNA position 1529, T replaced by C.
Protein change: p.Ile510Thr; replaces isoleucine 510 with threonine.
Molecular consequence: missense variant.
Genome position (GRCh38, 1-based): chr3:129,433,112, A>G on the plus strand (T>C on the coding strand, the complement: MBD4 is on the minus strand). VCF-style: chr3-129433112-A-G. GRCh37 (hg19) VCF-style: chr3-129151955-A-G.
Other names: c.1547T>C, p.Ile516Thr (NM_001276271.2, NM_001276272.2, NM_003925.3); c.593T>C, p.Ile198Thr (NM_001276273.2); short protein forms I510T, I198T, I516T.
Identifiers: ClinVar variation 3639234 (VCV003639234.2).